The following is an entry in ClinVar:

ClinVar aggregate classification (germline): Conflicting classifications of pathogenicity. Review status: criteria provided, conflicting classifications (1 of 4 stars). 2 submissions from 2 submitters: Uncertain significance (1); Likely benign (1). Last evaluated 2025-06-30.

Conditions:
Tuberous sclerosis 2 (TSC2). Identifiers: Orphanet 805, MedGen C1860707, MONDO:0013199, OMIM 613254.
Tuberous sclerosis syndrome (TSC). Also called: Tuberous Sclerosis Complex; Tuberous sclerosis. Identifiers: Orphanet 805, MedGen C0041341, MONDO:0001734.

Submissions (2):

Color Diagnostics, LLC DBA Color Health
Classification: Uncertain significance for Tuberous sclerosis syndrome. Last evaluated: 2025-06-30. Review status: criteria provided, single submitter. Criteria: ACMG Guidelines, 2015. Collection method: clinical testing. Allele origin: germline.
Comment: This variant causes a C to G nucleotide substitution at the -5 position of intron 28 of the TSC2 gene. To our knowledge, functional studies have not been reported for this variant. This variant has not been reported in individuals affected with TSC2-related disorders in the literature. This variant has not been identified in the general population by the Genome Aggregation Database (gnomAD). The available evidence is insufficient to determine the role of this variant in disease conclusively. Therefore, this variant is classified as a Variant of Uncertain Significance.

Labcorp Genetics (formerly Invitae), Labcorp
Classification: Likely benign for Tuberous sclerosis 2. Last evaluated: 2021-05-17. Review status: criteria provided, single submitter. Criteria: Invitae Variant Classification Sherloc (09022015). Collection method: clinical testing. Allele origin: germline.

NM_000548.5(TSC2):c.3285-5C>G

Gene: TSC2 (TSC complex subunit 2; plus strand). Cytogenetic location: 16p13.3.
Variant type: single nucleotide variant.
Coding change: c.3285-5C>G on transcript NM_000548.5 (MANE Select); 5 bases into the intron before coding-DNA position 3285, C replaced by G.
Molecular consequence: intron variant.
Genome position (GRCh38, 1-based): chr16:2,079,552, C>G. VCF-style: chr16-2079552-C-G. GRCh37 (hg19) VCF-style: chr16-2129553-C-G.
Other names: c.3285-5C>G (NM_001114382.3); c.3156-5C>G (NM_021055.3, NM_001370405.1, NM_001363528.2); c.3153-5C>G (NM_001370404.1, NM_001077183.3); c.3045-5C>G (NM_001318827.2); c.2553-5C>G (NM_001318831.2); c.3009-5C>G (NM_001318829.2); c.3186-5C>G (NM_001318832.2).
Identifiers: ClinVar variation 1559149 (VCV001559149.8), dbSNP rs1444989940, ClinGen allele CA2573151665.